The following is an entry in ClinVar:

ClinVar aggregate classification (germline): Uncertain significance (1 of 4 stars; one submission).

Submission:

Labcorp Genetics (formerly Invitae), Labcorp
Classification: Uncertain significance. Last evaluated: 2022-07-12. Review status: criteria provided, single submitter. Criteria: Invitae Variant Classification Sherloc (09022015). Collection method: clinical testing. Allele origin: germline.
Comment: In summary, the available evidence is currently insufficient to determine the role of this variant in disease. Therefore, it has been classified as a Variant of Uncertain Significance. This variant has not been reported in the literature in individuals affected with NUBPL-related conditions. This variant is a gross deletion of the genomic region encompassing exon(s) 4 of the NUBPL gene. This deletion is out-of-frame, and is expected to create a premature translational stop signal and result in an absent or disrupted protein product. However, the current clinical and genetic evidence is not sufficient to establish whether loss-of-function variants in NUBPL cause disease.

NC_000014.8:g.(?_32068475)_(32068605_?)del

Gene: NUBPL (NUBP iron-sulfur cluster assembly factor, mitochondrial; plus strand). Cytogenetic location: 14q12.
Variant type: Deletion.
Identifiers: ClinVar variation 2426927 (VCV002426927.4).